The following is an entry in ClinVar:

NM_080732.4(EGLN2):c.52C>T (p.Pro18Ser)

Genes: EGLN2 (egl-9 family hypoxia inducible factor 2; plus strand), RAB4B-EGLN2 (RAB4B-EGLN2 readthrough (NMD candidate); plus strand). Cytogenetic location: 19q13.2.
Variant type: single nucleotide variant.
Coding change: c.52C>T on transcript NM_080732.4 (MANE Select); coding-DNA position 52, C replaced by T.
Protein change: p.Pro18Ser; replaces proline 18 with serine.
Molecular consequence: missense variant. On other transcripts: non-coding transcript variant (1).
Genome position (GRCh38, 1-based): chr19:40,800,624, C>T. VCF-style: chr19-40800624-C-T. GRCh37 (hg19) VCF-style: chr19-41306529-C-T.
Other names: c.52C>T, p.Pro18Ser (NM_053046.4); short protein forms P18S.
Identifiers: ClinVar variation 1746691 (VCV001746691.2), dbSNP rs1365153596, ClinGen allele CA405954467.

ClinVar aggregate classification (germline): Uncertain significance (1 of 4 stars; one submission).

gnomAD v4.1: 1 of 1,613,564 alleles (0.000062%); highest among the groups gnomAD compares: Non-Finnish European, 0.000085%; no homozygotes.

Submission:

Ambry Genetics
Classification: Uncertain significance. Last evaluated: 2024-03-02. Review status: criteria provided, single submitter. Criteria: Ambry Variant Classification Scheme 2023. Collection method: clinical testing. Allele origin: germline.
Comment: The p.P18S variant (also known as c.52C>T), located in coding exon 1 of the EGLN2 gene, results from a C to T substitution at nucleotide position 52. The proline at codon 18 is replaced by serine, an amino acid with similar properties. This amino acid position is conserved. In addition, this alteration is predicted to be tolerated by in silico analysis. Since supporting evidence is limited at this time, the clinical significance of this alteration remains unclear.